The following is an entry in ClinVar:

NM_006279.5(ST3GAL3):c.1070A>T (p.Glu357Val)

Gene: ST3GAL3 (ST3 beta-galactoside alpha-2,3-sialyltransferase 3; plus strand). Cytogenetic location: 1p34.1.
Variant type: single nucleotide variant.
Coding change: c.1070A>T on transcript NM_006279.5 (MANE Select); coding-DNA position 1070, A replaced by T.
Protein change: p.Glu357Val; replaces glutamic acid 357 with valine.
Molecular consequence: missense variant. On other transcripts: 3 prime UTR variant (1), non-coding transcript variant (8).
Genome position (GRCh38, 1-based): chr1:43,930,163, A>T. VCF-style: chr1-43930163-A-T. GRCh37 (hg19) VCF-style: chr1-44395835-A-T.
Other names: c.1070A>T (NM_006279.2); c.980A>T, p.Glu327Val (NM_001270459.2); c.977A>T, p.Glu326Val (NM_001270460.2); c.728A>T, p.Glu243Val (NM_001270461.3); c.635A>T, p.Glu212Val (NM_001270462.3); c.586A>T, p.Ser196Cys (NM_001270463.3); c.541A>T, p.Ser181Cys (NM_001270464.3); c.*54A>T (NM_001270465.3); and 14 more; short protein forms E357V, E426V, E259V, E326V, E327V, E411V, S181C, S196C.
Identifiers: ClinVar variation 436877 (VCV000436877.12), dbSNP rs141947405, ClinGen allele CA814909.

ClinVar aggregate classification (germline): Uncertain significance. Review status: criteria provided, multiple submitters, no conflicts (2 of 4 stars). 5 submissions from 5 submitters: Uncertain significance (5). Last evaluated 2025-01-20.

Conditions:
Inborn genetic diseases. Identifiers: MedGen C0950123, MeSH D030342.
Developmental and epileptic encephalopathy. Identifiers: MedGen C5779964, MONDO:0100620.
Intellectual developmental disorder, autosomal recessive 12. Also called: Intellectual disability, autosomal recessive 12. Identifiers: Orphanet 88616, MedGen C1970200, MONDO:0012612, OMIM 611090.
Developmental and epileptic encephalopathy, 15 (DEE15). Also called: Early infantile epileptic encephalopathy 15. Identifiers: Orphanet 3451, MedGen C3554316, MONDO:0014003, OMIM 615006.

Allele frequency attached by ClinVar (database versions not stated): gnomAD exomes 0.00003 and 0.00016; gnomAD 0.00005 and 0.00004; TOPMed 0.00014; ESP Exome Variant Server 0.00015; ExAC 0.00004.
gnomAD v4.1: 239 of 1,614,070 alleles (0.015%); highest among the groups gnomAD compares: Non-Finnish European, 0.02%; no homozygotes.

Submissions (5):

Ambry Genetics
Classification: Uncertain significance for Inborn genetic diseases. Last evaluated: 2025-01-20. Review status: criteria provided, single submitter. Criteria: Ambry Variant Classification Scheme 2023. Collection method: clinical testing. Allele origin: germline.

Blueprint Genetics
Classification: Uncertain significance. Last evaluated: 2024-08-08. Review status: criteria provided, single submitter. Criteria: ACMG Guidelines, 2015. Collection method: clinical testing. Allele origin: germline.

Labcorp Genetics (formerly Invitae), Labcorp
Classification: Uncertain significance for Early-infantile DEE. Last evaluated: 2022-09-24. Review status: criteria provided, single submitter. Criteria: Invitae Variant Classification Sherloc (09022015). Collection method: clinical testing. Allele origin: germline.
Comment: This sequence change replaces glutamic acid, which is acidic and polar, with valine, which is neutral and non-polar, at codon 357 of the ST3GAL3 protein (p.Glu357Val). This variant is present in population databases (rs141947405, gnomAD 0.007%). This variant has not been reported in the literature in individuals affected with ST3GAL3-related conditions. ClinVar contains an entry for this variant (Variation ID: 436877). Advanced modeling of protein sequence and biophysical properties (such as structural, functional, and spatial information, amino acid conservation, physicochemical variation, residue mobility, and thermodynamic stability) performed at Invitae indicates that this missense variant is not expected to disrupt ST3GAL3 protein function. In summary, the available evidence is currently insufficient to determine the role of this variant in disease. Therefore, it has been classified as a Variant of Uncertain Significance.

Fulgent Genetics
Classification: Uncertain significance for Intellectual developmental disorder, autosomal recessive 12; Developmental and epileptic encephalopathy, 15. Last evaluated: 2018-10-31. Review status: criteria provided, single submitter. Criteria: ACMG Guidelines, 2015. Collection method: clinical testing. Allele origin: unknown.

Genetic Services Laboratory, University of Chicago
Classification: Uncertain significance. Last evaluated: 2017-03-09. Review status: criteria provided, single submitter. Criteria: ACMG Guidelines, 2015. Collection method: clinical testing. Allele origin: germline. Affected: no.